The following is an entry in ClinVar:

ClinVar aggregate classification (germline): Uncertain significance. Review status: criteria provided, multiple submitters, no conflicts (2 of 4 stars). 2 submissions from 2 submitters: Uncertain significance (2). Last evaluated 2025-12-06.

gnomAD v4.1: 6 of 1,613,568 alleles (0.00037%); highest among the groups gnomAD compares: Admixed American, 0.0017%; no homozygotes.

Submissions (2):

Labcorp Genetics (formerly Invitae), Labcorp
Classification: Uncertain significance. Last evaluated: 2025-12-06. Review status: criteria provided, single submitter. Criteria: Invitae Variant Classification Sherloc (09022015). Collection method: clinical testing. Allele origin: germline.
Comment: This sequence change falls in intron 38 of the MYH9 gene. It does not directly change the encoded amino acid sequence of the MYH9 protein. It affects a nucleotide within the consensus splice site. The frequency data for this variant in the population databases is considered unreliable, as metrics indicate poor data quality at this position in the gnomAD database. This variant has not been reported in the literature in individuals affected with MYH9-related conditions. ClinVar contains an entry for this variant (Variation ID: 2653099). Variants that disrupt the consensus splice site are a relatively common cause of aberrant splicing (PMID: 17576681, 9536098). Algorithms developed to predict the effect of sequence changes on RNA splicing suggest that this variant is not likely to affect RNA splicing. In summary, the available evidence is currently insufficient to determine the role of this variant in disease. Therefore, it has been classified as a Variant of Uncertain Significance.

CeGaT Center for Human Genetics Tuebingen
Classification: Uncertain significance. Last evaluated: 2022-05-01. Review status: criteria provided, single submitter. Criteria: CeGaT Center For Human Genetics Tuebingen Variant Classification Criteria Version 2. Collection method: clinical testing. Allele origin: germline. Affected: yes. Observed: 1 variant allele.
Comment: MYH9: PM2, BP4

Literature cited by the submitters: PubMed 17576681 (cited by Labcorp Genetics (formerly Invitae), Labcorp); PubMed 9536098 (cited by Labcorp Genetics (formerly Invitae), Labcorp).

NM_002473.6(MYH9):c.5483+4C>A

Gene: MYH9 (myosin heavy chain 9; minus strand). Cytogenetic location: 22q12.3.
Variant type: single nucleotide variant.
Coding change: c.5483+4C>A on transcript NM_002473.6 (MANE Select); 4 bases into the intron after coding-DNA position 5483, C replaced by A.
Molecular consequence: intron variant.
Genome position (GRCh38, 1-based): chr22:36,285,117, G>T on the plus strand (C>A on the coding strand, the complement: MYH9 is on the minus strand). VCF-style: chr22-36285117-G-T. GRCh37 (hg19) VCF-style: chr22-36681163-G-T.
Identifiers: ClinVar variation 2653099 (VCV002653099.25), dbSNP rs56327920, ClinGen allele CA10209049.